The following continues an entry in ClinVar:

NM_001033855.3(DCLRE1C):c.457G>A (p.Gly153Arg)

Gene: DCLRE1C. ClinVar aggregate classification (germline): Benign. Benign (1).

Submissions 16 to 29 of 29:

Dr. Peter K. Rogan Lab, Western University
No classification provided (evidence only). Condition: Lung cancer. Review status: no classification provided. Collection method: in vitro. Allele origin: not applicable. Functional consequence: retained intron. Not counted in ClinVar's aggregate classification.

Dr. Peter K. Rogan Lab, Western University
No classification provided (evidence only). Condition: Colon adenocarcinoma. Review status: no classification provided. Collection method: in vitro. Allele origin: not applicable. Functional consequence: skipped exon. Not counted in ClinVar's aggregate classification.

Dr. Peter K. Rogan Lab, Western University
No classification provided (evidence only). Condition: Thyroid cancer, nonmedullary, 1. Review status: no classification provided. Collection method: in vitro. Allele origin: not applicable. Functional consequence: retained intron. Not counted in ClinVar's aggregate classification.

Dr. Peter K. Rogan Lab, Western University
No classification provided (evidence only). Condition: Uterine corpus endometrial carcinoma. Review status: no classification provided. Collection method: in vitro. Allele origin: not applicable. Functional consequence: retained intron. Not counted in ClinVar's aggregate classification.

Dr. Peter K. Rogan Lab, Western University
No classification provided (evidence only). Condition: Cervical cancer. Review status: no classification provided. Collection method: in vitro. Allele origin: not applicable. Functional consequence: retained intron. Not counted in ClinVar's aggregate classification.

Dr. Peter K. Rogan Lab, Western University
No classification provided (evidence only). Condition: Cervical cancer. Review status: no classification provided. Collection method: in vitro. Allele origin: not applicable. Functional consequence: retained intron. Not counted in ClinVar's aggregate classification.

Dr. Peter K. Rogan Lab, Western University
No classification provided (evidence only). Condition: Sarcoma. Review status: no classification provided. Collection method: in vitro. Allele origin: not applicable. Functional consequence: retained intron. Not counted in ClinVar's aggregate classification.

Dr. Peter K. Rogan Lab, Western University
No classification provided (evidence only). Condition: Sarcoma. Review status: no classification provided. Collection method: in vitro. Allele origin: not applicable. Functional consequence: retained intron. Not counted in ClinVar's aggregate classification.

Dr. Peter K. Rogan Lab, Western University
No classification provided (evidence only). Condition: Hepatocellular carcinoma. Review status: no classification provided. Collection method: in vitro. Allele origin: not applicable. Functional consequence: retained intron. Not counted in ClinVar's aggregate classification.

Dr. Peter K. Rogan Lab, Western University
No classification provided (evidence only). Condition: Thymoma. Review status: no classification provided. Collection method: in vitro. Allele origin: not applicable. Functional consequence: retained intron. Not counted in ClinVar's aggregate classification.

Dr. Peter K. Rogan Lab, Western University
No classification provided (evidence only). Condition: Ovarian serous cystadenocarcinoma. Review status: no classification provided. Collection method: in vitro. Allele origin: not applicable. Functional consequence: retained intron. Not counted in ClinVar's aggregate classification.

Dr. Peter K. Rogan Lab, Western University
No classification provided (evidence only). Condition: Gastric cancer. Review status: no classification provided. Collection method: in vitro. Allele origin: not applicable. Functional consequence: retained intron. Not counted in ClinVar's aggregate classification.

Dr. Peter K. Rogan Lab, Western University
No classification provided (evidence only). Condition: Uveal melanoma. Review status: no classification provided. Collection method: in vitro. Allele origin: not applicable. Functional consequence: retained intron. Not counted in ClinVar's aggregate classification.

Genome Diagnostics Laboratory, University Medical Center Utrecht
Classification: Likely benign. Review status: no assertion criteria provided. Collection method: clinical testing. Allele origin: germline. Affected: yes. Study: VKGL Data-share Consensus. Not counted in ClinVar's aggregate classification.

Literature cited by the submitters: PubMed 25917813 (cited by Women's Health and Genetics/Laboratory Corporation of America, LabCorp); PubMed 18223550 (cited by Women's Health and Genetics/Laboratory Corporation of America, LabCorp).